The following is an entry in ClinVar:

ClinVar aggregate classification (germline): Uncertain significance. Review status: criteria provided, multiple submitters, no conflicts (2 of 4 stars). 2 submissions from 2 submitters: Uncertain significance (2). Last evaluated 2025-11-08.

Conditions:
Inborn genetic diseases. Identifiers: MedGen C0950123, MeSH D030342.

Allele frequency attached by ClinVar (database versions not stated): gnomAD exomes below 0.00001; TOPMed below 0.00001.
gnomAD v4.1: 1 of 1,614,144 alleles (0.000062%); highest among the groups gnomAD compares: Non-Finnish European, 0.000085%; no homozygotes.

Submissions (2):

Ambry Genetics
Classification: Uncertain significance for Inborn genetic diseases. Last evaluated: 2025-11-08. Review status: criteria provided, single submitter. Criteria: Ambry Variant Classification Scheme 2023. Collection method: clinical testing. Allele origin: germline.

Labcorp Genetics (formerly Invitae), Labcorp
Classification: Uncertain significance. Last evaluated: 2023-05-24. Review status: criteria provided, single submitter. Criteria: Invitae Variant Classification Sherloc (09022015). Collection method: clinical testing. Allele origin: germline.
Comment: This sequence change replaces glycine, which is neutral and non-polar, with arginine, which is basic and polar, at codon 178 of the C1QB protein (p.Gly178Arg). This variant is not present in population databases (gnomAD no frequency). This variant has not been reported in the literature in individuals affected with C1QB-related conditions. Advanced modeling of protein sequence and biophysical properties (such as structural, functional, and spatial information, amino acid conservation, physicochemical variation, residue mobility, and thermodynamic stability) performed at Invitae indicates that this missense variant is not expected to disrupt C1QB protein function. In summary, the available evidence is currently insufficient to determine the role of this variant in disease. Therefore, it has been classified as a Variant of Uncertain Significance.

NM_001378156.1(C1QB):c.526G>A (p.Gly176Arg)

Gene: C1QB (complement C1q B chain; plus strand). Cytogenetic location: 1p36.12.
Variant type: single nucleotide variant.
Coding change: c.526G>A on transcript NM_001378156.1 (MANE Select); coding-DNA position 526, G replaced by A.
Protein change: p.Gly176Arg; replaces glycine 176 with arginine.
Molecular consequence: missense variant.
Genome position (GRCh38, 1-based): chr1:22,661,156, G>A. VCF-style: chr1-22661156-G-A. GRCh37 (hg19) VCF-style: chr1-22987649-G-A.
Other names: c.532G>A, p.Gly178Arg (NM_000491.5); c.526G>A, p.Gly176Arg (NM_001371184.3); short protein forms G176R, G178R.
Identifiers: ClinVar variation 2988130 (VCV002988130.4), dbSNP rs1206457513, ClinGen allele CA338948870.